The following is an entry in ClinVar:

NM_001029896.2(WDR45):c.967_968del (p.Val323fs)

Gene: WDR45 (WD repeat domain 45; minus strand). Cytogenetic location: Xp11.23.
Variant type: Deletion.
Coding change: c.967_968del on transcript NM_001029896.2 (MANE Select); coding-DNA positions 967 to 968, 2 bases deleted (GT; older notation c.967_968delGT).
Protein change: p.Val323fs; shifts the reading frame from valine 323.
Molecular consequence: frameshift variant.
Genome position (GRCh38, 1-based): chrX:49,075,141-49,075,142, AC deleted on the plus strand (GT on the coding strand, the reverse complement: WDR45 is on the minus strand); deleting any 2 consecutive bases within chrX:49,075,141-49,075,143 gives the same sequence; the c. name uses the placement nearest the transcript's 3' end. VCF-style (leftmost placement, unchanged base first): chrX-49075140-GAC-G. GRCh37 (hg19) VCF-style: chrX-48932799-GAC-G.
Other names: c.970_971del (NM_007075.3); c.970_971del, p.Val324fs (NM_007075.4); short protein forms V323fs, V324fs.
Identifiers: ClinVar variation 3382662 (VCV003382662.4).

ClinVar aggregate classification (germline): Pathogenic/Likely pathogenic. Review status: criteria provided, multiple submitters, no conflicts (2 of 4 stars). 3 submissions from 3 submitters: Pathogenic (2); Likely pathogenic (1). Last evaluated 2024-09-24.

Conditions:
Neurodegeneration with brain iron accumulation 5 (NBIA5). Also called: Beta-propeller protein-associated neurodegeneration; STATIC ENCEPHALOPATHY OF CHILDHOOD WITH NEURODEGENERATION IN ADULTHOOD. Identifiers: Orphanet 329284, MedGen C3550973, MONDO:0010476, OMIM 300894.
WDR45-related disorder. Also called: WDR45-related condition.

Submissions (3):

GeneDx
Classification: Pathogenic. Last evaluated: 2024-09-24. Review status: criteria provided, single submitter. Criteria: GeneDx Variant Classification Process June 2021. Collection method: clinical testing. Allele origin: germline. Affected: yes.
Comment: Frameshift variant predicted to result in abnormal protein length as the last 38 amino acids are replaced with 16 different amino acids, and other similar variants have been reported in HGMD; Not observed at significant frequency in large population cohorts (gnomAD); This variant is associated with the following publications: (PMID: 32811771, 29720203)

Blueprint Genetics
Classification: Pathogenic for WDR45-related disorders. Last evaluated: 2023-05-22. Review status: criteria provided, single submitter. Criteria: ACMG Guidelines, 2015. Collection method: clinical testing. Allele origin: germline. Affected: yes. Observed: 1 variant allele.

Juno Genomics, Hangzhou Juno Genomics, Inc
Classification: Likely pathogenic for Neurodegeneration with brain iron accumulation 5. Review status: criteria provided, single submitter. Criteria: ACMG Guidelines, 2015. Collection method: clinical testing. Allele origin: germline. Affected: yes.
Comment: Absent from controls (or at extremely low frequency if recessive) in Genome Aggregation Database, Exome Sequencing Project, 1000 Genomes Project, or Exome Aggregation Consortium.;Null variant in a gene where loss of function (LOF) is a known mechanism of disease.;De novo (both maternity and paternity confirmed) in a patient with the disease and no family history.